The following is an entry in ClinVar:

NM_001393769.1(MED12L):c.901C>T (p.Arg301Cys)

Gene: MED12L (mediator complex subunit 12L; plus strand). Cytogenetic location: 3q25.1.
Variant type: single nucleotide variant.
Coding change: c.901C>T on transcript NM_001393769.1 (MANE Select); coding-DNA position 901, C replaced by T.
Protein change: p.Arg301Cys; replaces arginine 301 with cysteine.
Molecular consequence: missense variant.
Genome position (GRCh38, 1-based): chr3:151,159,895, C>T. VCF-style: chr3-151159895-C-T. GRCh37 (hg19) VCF-style: chr3-150877682-C-T.
Other names: c.901C>T, p.Arg301Cys (NM_053002.6); short protein forms R301C.
Identifiers: ClinVar variation 3343835 (VCV003343835.2).

ClinVar aggregate classification (germline): Uncertain significance (1 of 4 stars; one submission).

gnomAD v4.1: 2 of 1,614,202 alleles (0.00012%); highest among the groups gnomAD compares: Non-Finnish European, 0.00017%; no homozygotes.

Submission:

GeneDx
Classification: Uncertain significance. Last evaluated: 2025-07-16. Review status: criteria provided, single submitter. Criteria: GeneDx Variant Classification Process June 2021. Collection method: clinical testing. Allele origin: germline.
Comment: Not observed at significant frequency in large population cohorts (gnomAD); In silico analysis supports that this missense variant has a deleterious effect on protein structure/function; Has not been previously published as pathogenic or benign to our knowledge